The following is an entry in ClinVar:

NM_001042492.3(NF1):c.4687A>C (p.Asn1563His)

Gene: NF1 (neurofibromin 1; plus strand). Cytogenetic location: 17q11.2.
Variant type: single nucleotide variant.
Coding change: c.4687A>C on transcript NM_001042492.3 (MANE Select); coding-DNA position 4687, A replaced by C.
Protein change: p.Asn1563His; replaces asparagine 1563 with histidine.
Molecular consequence: missense variant.
Genome position (GRCh38, 1-based): chr17:31,261,820, A>C. VCF-style: chr17-31261820-A-C. GRCh37 (hg19) VCF-style: chr17-29588838-A-C.
Other names: c.4624A>C, p.Asn1542His (NM_000267.4); short protein forms N1542H, N1563H.
Identifiers: ClinVar variation 4800770 (VCV004800770.1).
Genomic context (GRCh38, chr17:31,261,820, plus strand): 5'-CTTGCATACCTGGGTCCTCCAGAGCACAAACCTGTGGCAGATACACACTGGTCCAGCCTT[A>C]ACCTTACCAGTTCAAAGTTTGAGGAATTTATGACTAGGTAAAGTACAACCTTGAAATAGT-3'
Protein context (NP_001035957.1, residues 1553-1573): PVADTHWSSL[Asn1563His]LTSSKFEEFM

ClinVar aggregate classification (germline): Uncertain significance (1 of 4 stars; one submission).

Conditions:
Neurofibromatosis, type 1 (NF1). Also called: VON RECKLINGHAUSEN DISEASE; Neurofibromatosis, type I; NEUROFIBROMATOSIS, TYPE I, SOMATIC; Peripheral type neurofibromatosis. Identifiers: Orphanet 636, MedGen C0027831, MONDO:0018975, OMIM 162200. Disease mechanism: loss of function.

Submission:

Labcorp Genetics (formerly Invitae), Labcorp
Classification: Uncertain significance for Neurofibromatosis, type 1. Last evaluated: 2025-09-09. Review status: criteria provided, single submitter. Criteria: Invitae Variant Classification Sherloc (09022015). Collection method: clinical testing. Allele origin: germline.
Comment: This sequence change replaces asparagine, which is neutral and polar, with histidine, which is basic and polar, at codon 1542 of the NF1 protein (p.Asn1542His). This variant is not present in population databases (gnomAD no frequency). This variant has not been reported in the literature in individuals affected with NF1-related conditions. Invitae Evidence Modeling of protein sequence and biophysical properties (such as structural, functional, and spatial information, amino acid conservation, physicochemical variation, residue mobility, and thermodynamic stability) indicates that this missense variant is expected to disrupt NF1 protein function with a positive predictive value of 95%. In summary, the available evidence is currently insufficient to determine the role of this variant in disease. Therefore, it has been classified as a Variant of Uncertain Significance.